The following is an entry in ClinVar:

NM_000368.5(TSC1):c.2699A>C (p.Gln900Pro)

Gene: TSC1 (TSC complex subunit 1; minus strand). Cytogenetic location: 9q34.13.
Variant type: single nucleotide variant.
Coding change: c.2699A>C on transcript NM_000368.5 (MANE Select); coding-DNA position 2699, A replaced by C.
Protein change: p.Gln900Pro; replaces glutamine 900 with proline.
Molecular consequence: missense variant. On other transcripts: non-coding transcript variant (5).
Genome position (GRCh38, 1-based): chr9:132,897,537, T>G on the plus strand (A>C on the coding strand, the complement: TSC1 is on the minus strand). VCF-style: chr9-132897537-T-G. GRCh37 (hg19) VCF-style: chr9-135772924-T-G.
Other names: c.2681A>C, p.Gln894Pro (NM_001406604.1, NM_001406603.1); c.2657A>C, p.Gln886Pro (NM_001406605.1, NM_001406606.1, NM_001406607.1); c.2654A>C, p.Gln885Pro (NM_001406608.1, NM_001406609.1); c.2546A>C, p.Gln849Pro (NM_001406610.1, NM_001162427.2); c.2543A>C, p.Gln848Pro (NM_001406611.1, NM_001406612.1); c.2501A>C, p.Gln834Pro (NM_001406613.1); c.2696A>C, p.Gln899Pro (NM_001162426.2, NM_001406597.1, NM_001406598.1 and 2 more transcripts); c.2336A>C, p.Gln779Pro (NM_001362177.2, NM_001406614.1, NM_001406615.1 and 4 more transcripts); and 8 more; short protein forms Q848P, Q849P, Q549P, Q764P, Q778P, Q894P, Q900P, Q582P.
Identifiers: ClinVar variation 5031267 (VCV005031267.1).

ClinVar aggregate classification (germline): Uncertain significance (1 of 4 stars; one submission).

Conditions:
Hereditary cancer-predisposing syndrome. Also called: Neoplastic Syndromes, Hereditary; Tumor predisposition; Hereditary neoplastic syndrome; Hereditary Cancer Syndrome. Identifiers: Orphanet 140162, MedGen C0027672, MeSH D009386, MONDO:0015356.

Submission:

Ambry Genetics
Classification: Uncertain significance for Hereditary cancer-predisposing syndrome. Last evaluated: 2026-08-31. Review status: criteria provided, single submitter. Criteria: Ambry Variant Classification Scheme 2023. Collection method: clinical testing. Allele origin: germline.
Comment: The p.Q900P variant (also known as c.2699A>C), located in coding exon 19 of the TSC1 gene, results from an A to C substitution at nucleotide position 2699. The glutamine at codon 900 is replaced by proline, an amino acid with similar properties. This amino acid position is conserved. In addition, this alteration is predicted to be deleterious by in silico analysis. Based on the available evidence, the clinical significance of this variant remains unclear.